The following is an entry in ClinVar:

NC_000002.11:g.(?_62053590)_(62081176_?)dup

Gene: FAM161A (FAM161 centrosomal protein A; minus strand). Cytogenetic location: 2p15.
Variant type: Duplication.
Identifiers: ClinVar variation 2423966 (VCV002423966.2).

ClinVar aggregate classification (germline): Uncertain significance (1 of 4 stars; one submission).

Submission:

Labcorp Genetics (formerly Invitae), Labcorp
Classification: Uncertain significance. Last evaluated: 2022-09-20. Review status: criteria provided, single submitter. Criteria: Invitae Variant Classification Sherloc (09022015). Collection method: clinical testing. Allele origin: germline.
Comment: A copy number gain of the genomic region encompassing the full coding sequence of the FAM161A gene has been identified. The boundaries of this event are unknown as they extend beyond the assayed region for this gene and therefore may encompass additional genes. As the precise location of this event is unknown, it may be in tandem or it may be located elsewhere in the genome. This variant has not been reported in the literature in individuals affected with FAM161A-related conditions. In summary, the available evidence is currently insufficient to determine the role of this variant in disease. Therefore, it has been classified as a Variant of Uncertain Significance.